The following is an entry in ClinVar:

NM_001267550.2(TTN):c.53676T>A (p.Ser17892Arg)

Genes: TTN (titin; minus strand), TTN-AS1 (TTN antisense RNA 1; plus strand). Cytogenetic location: 2q31.2.
Variant type: single nucleotide variant.
Coding change: c.53676T>A on transcript NM_001267550.2 (MANE Select); coding-DNA position 53676, T replaced by A.
Protein change: p.Ser17892Arg; replaces serine 17892 with arginine.
Molecular consequence: missense variant.
Genome position (GRCh38, 1-based): chr2:178,605,619, A>T on the plus strand (T>A on the coding strand, the complement: TTN is on the minus strand). VCF-style: chr2-178605619-A-T. GRCh37 (hg19) VCF-style: chr2-179470346-A-T.
Other names: c.48753T>A, p.Ser16251Arg (NM_001256850.1); c.26481T>A, p.Ser8827Arg (NM_003319.4); c.45972T>A, p.Ser15324Arg (NM_133378.4); c.26856T>A, p.Ser8952Arg (NM_133432.3); c.27057T>A, p.Ser9019Arg (NM_133437.4); short protein forms S15324R, S16251R, S17892R, S8827R, S8952R, S9019R.
Identifiers: ClinVar variation 1305661 (VCV001305661.2), dbSNP rs2154195662, ClinGen allele CA349561855.
Genomic context (GRCh38, chr2:178,605,619, plus strand): 5'-AACTCTTTCAAAGTCAGGTTTGTCATGACGCCGTTTTTCAATGATATATCCTTGGATGGG[A>T]CTGCCACCATTACTGCGGGGCTCTTTCCAGTCAAGTGTGATAGTGGACTTTGTCCTTTCA-3'
Protein context (NP_001254479.2, residues 17882-17902): DWKEPRSNGG[Ser17892Arg]PIQGYIIEKR

ClinVar aggregate classification (germline): Uncertain significance (1 of 4 stars; one submission).

Submission:

GeneDx
Classification: Uncertain significance. Last evaluated: 2019-05-06. Review status: criteria provided, single submitter. Criteria: GeneDx Variant Classification Process June 2021. Collection method: clinical testing. Allele origin: germline. Affected: yes.
Comment: Has not been previously published as pathogenic or benign to our knowledge